The following is an entry in ClinVar:

ClinVar aggregate classification (germline): Conflicting classifications of pathogenicity. Review status: criteria provided, conflicting classifications (1 of 4 stars). 4 submissions from 4 submitters: Uncertain significance (2); Likely benign (2). Last evaluated 2026-01-28.

Conditions:
Osteogenesis imperfecta (OI). Identifiers: Orphanet 666, MedGen C0029434, MeSH D010013, MONDO:0019019.
Osteogenesis Imperfecta, Recessive.
Osteogenesis imperfecta type 8 (OI8). Identifiers: MedGen C1970458, MONDO:0012581, OMIM 610915.

Allele frequency attached by ClinVar (database versions not stated): gnomAD 0.00007 and 0.00013; gnomAD exomes 0.00009 and 0.00027; TOPMed 0.00019; ExAC 0.00031; 1000 Genomes Project 0.00060; 1000 Genomes Project 30x 0.00078.
gnomAD v4.1: 152 of 1,608,898 alleles (0.0094%); highest among the groups gnomAD compares: East Asian, 0.32%; no homozygotes.

Submissions (4):

Labcorp Genetics (formerly Invitae), Labcorp
Classification: Likely benign for Osteogenesis imperfecta type 8. Last evaluated: 2026-01-28. Review status: criteria provided, single submitter. Criteria: Invitae Variant Classification Sherloc (09022015). Collection method: clinical testing. Allele origin: germline.

Genome Diagnostics Laboratory, The Hospital for Sick Children
Classification: Likely benign for Osteogenesis imperfecta. Last evaluated: 2020-05-01. Review status: criteria provided, single submitter. Criteria: ACMG Guidelines, 2015. Collection method: clinical testing. Allele origin: germline.

GeneDx
Classification: Uncertain significance. Last evaluated: 2020-02-19. Review status: criteria provided, single submitter. Criteria: GeneDx Variant Classification Process June 2021. Collection method: clinical testing. Allele origin: germline. Affected: yes.
Comment: In silico analysis, which includes protein predictors and evolutionary conservation, supports that this variant does not alter protein structure/function; Has not been previously published as pathogenic or benign to our knowledge

Illumina Laboratory Services, Illumina
Classification: Uncertain significance for Osteogenesis Imperfecta, Recessive. Last evaluated: 2017-04-27. Review status: criteria provided, single submitter. Criteria: ICSL Variant Classification Criteria 13 December 2019. Collection method: clinical testing. Allele origin: germline.

NM_022356.4(P3H1):c.81G>C (p.Glu27Asp)

Gene: P3H1 (prolyl 3-hydroxylase 1; minus strand). Cytogenetic location: 1p34.2.
Variant type: single nucleotide variant.
Coding change: c.81G>C on transcript NM_022356.4 (MANE Select); coding-DNA position 81, G replaced by C.
Protein change: p.Glu27Asp; replaces glutamic acid 27 with aspartic acid.
Molecular consequence: missense variant.
Genome position (GRCh38, 1-based): chr1:42,766,891, C>G on the plus strand (G>C on the coding strand, the complement: P3H1 is on the minus strand). VCF-style: chr1-42766891-C-G. GRCh37 (hg19) VCF-style: chr1-43232562-C-G.
Other names: c.81G>C, p.Glu27Asp (NM_001146289.2, NM_001243246.2); short protein forms E27D.
Identifiers: ClinVar variation 536820 (VCV000536820.16), dbSNP rs201750444, ClinGen allele CA802238.